The following is an entry in ClinVar:

ClinVar aggregate classification (germline): Benign/Likely benign. Review status: criteria provided, multiple submitters, no conflicts (2 of 4 stars). 6 submissions from 6 submitters: Benign (5); Likely benign (1). Last evaluated 2026-01-01.

Conditions:
Myoclonic dystonia 11 (DYT11). Also called: Dystonia 11; Dystonia, alcohol responsive; Hereditary essential myoclonus; SGCE Myoclonus-Dystonia; Myoclonus-Dystonia; Myoclonic dystonia. Identifiers: Orphanet 36899, MedGen C1834570, MONDO:0008044, OMIM 159900.

Allele frequency attached by ClinVar (database versions not stated): gnomAD exomes 0.00071; ExAC 0.00087; 1000 Genomes Project 0.00260; gnomAD 0.00273 and 0.00283; TOPMed 0.00287; ESP Exome Variant Server 0.00292; 1000 Genomes Project 30x 0.00297.
gnomAD v4.1: 837 of 1,612,732 alleles (0.052%); highest among the groups gnomAD compares: African/African-American, 0.99%; 2 homozygotes.

Submissions (6):

CeGaT Center for Human Genetics Tuebingen
Classification: Benign. Last evaluated: 2026-01-01. Review status: criteria provided, single submitter. Criteria: CeGaT Center For Human Genetics Tuebingen Variant Classification Criteria Version 2. Collection method: clinical testing. Allele origin: germline. Affected: yes. Observed: 2 variant alleles.
Comment: SGCE: BS1, BS2

Labcorp Genetics (formerly Invitae), Labcorp
Classification: Benign for Myoclonic dystonia 11. Last evaluated: 2025-12-30. Review status: criteria provided, single submitter. Criteria: Invitae Variant Classification Sherloc (09022015). Collection method: clinical testing. Allele origin: germline.

Athena Diagnostics
Classification: Benign. Last evaluated: 2024-07-05. Review status: criteria provided, single submitter. Criteria: Athena Diagnostics Criteria. Collection method: clinical testing. Allele origin: unknown.

GeneDx
Classification: Likely benign. Last evaluated: 2019-03-09. Review status: criteria provided, single submitter. Criteria: GeneDx Variant Classification Process June 2021. Collection method: clinical testing. Allele origin: germline. Affected: yes.
Comment: See Variant Classification Assertion Criteria.

Illumina Laboratory Services, Illumina
Classification: Benign for Myoclonic dystonia 11. Last evaluated: 2018-01-13. Review status: criteria provided, single submitter. Criteria: ICSL Variant Classification Criteria 13 December 2019. Collection method: clinical testing. Allele origin: germline.
Comment: This variant was observed in the ICSL laboratory as part of a predisposition screen in an ostensibly healthy population. It had not been previously curated by ICSL or reported in the Human Gene Mutation Database (HGMD: prior to June 1st, 2018), and was therefore a candidate for classification through an automated scoring system. Utilizing variant allele frequency, disease prevalence and penetrance estimates, and inheritance mode, an automated score was calculated to assess if this variant is too frequent to cause the disease. Based on the score and internal cut-off values, a variant classified as benign is not then subjected to further curation. The score for this variant resulted in a classification of benign for this disease.

Eurofins Ntd Llc (ga)
Classification: Benign. Last evaluated: 2015-07-29. Review status: criteria provided, single submitter. Criteria: EGL Classification Definitions 2015. Collection method: clinical testing. Allele origin: germline. Observed: 2 variant alleles, 2 heterozygotes.

Literature cited by the submitters: PubMed 30849405 (cited by Athena Diagnostics).

NM_003919.3(SGCE):c.769A>C (p.Thr257Pro)

Genes: CASD1 (CAS1 domain sialic acid O acetyltransferase 1; plus strand), SGCE (sarcoglycan epsilon; minus strand). Cytogenetic location: 7q21.3.
Variant type: single nucleotide variant.
Coding change: c.769A>C on transcript NM_003919.3 (MANE Select); coding-DNA position 769, A replaced by C.
Protein change: p.Thr257Pro; replaces threonine 257 with proline.
Molecular consequence: missense variant.
Genome position (GRCh38, 1-based): chr7:94,603,346, T>G on the plus strand (A>C on the coding strand, the complement: SGCE is on the minus strand). VCF-style: chr7-94603346-T-G. GRCh37 (hg19) VCF-style: chr7-94232658-T-G.
Other names: c.769A>C, p.Thr257Pro (NM_001099400.2, NM_001099401.2, NM_001346717.2); c.646A>C, p.Thr216Pro (NM_001301139.2, NM_001362809.2); c.877A>C, p.Thr293Pro (NM_001346713.2, NM_001346715.2); c.682A>C, p.Thr228Pro (NM_001346719.2, NM_001362807.2); c.496A>C, p.Thr166Pro (NM_001346720.2, NM_001362808.2); short protein forms T257P, T228P, T293P, T216P, T166P.
Identifiers: ClinVar variation 281115 (VCV000281115.29), dbSNP rs116105264, ClinGen allele CA4348728.
Genomic context (GRCh38, chr7:94,603,346, plus strand): 5'-TTACCAATGAAATTTTGCACCAGTCAATGTAAAATTGAGTACGAAATTTTTTATCACATG[T>G]TATTACAGGCTCCATTTCTTGACTACATCTCAATTGATTCTGTGGATTTTCAACTTCTCG-3'
Protein context (NP_003910.1, residues 247-267): RCSQEMEPVI[Thr257Pro]CDKKFRTQFY